The following is an entry in ClinVar:

NM_015915.5(ATL1):c.769A>G (p.Ile257Val)

Gene: ATL1 (atlastin GTPase 1; plus strand). Cytogenetic location: 14q22.1.
Variant type: single nucleotide variant.
Coding change: c.769A>G on transcript NM_015915.5 (MANE Select); coding-DNA position 769, A replaced by G.
Protein change: p.Ile257Val; replaces isoleucine 257 with valine.
Molecular consequence: missense variant.
Genome position (GRCh38, 1-based): chr14:50,614,418, A>G. VCF-style: chr14-50614418-A-G. GRCh37 (hg19) VCF-style: chr14-51081136-A-G.
Other names: c.769A>G, p.Ile257Val (NM_001127713.1, NM_181598.4); short protein forms I257V.
Identifiers: ClinVar variation 538577 (VCV000538577.10), dbSNP rs1186954818, ClinGen allele CA389671630.

ClinVar aggregate classification (germline): Uncertain significance (1 of 4 stars; one submission).

Conditions:
Hereditary spastic paraplegia 3A (SPG3A). Also called: SPASTIC PARAPLEGIA 3, AUTOSOMAL DOMINANT; FAMILIAL SPASTIC PARAPLEGIA, AUTOSOMAL DOMINANT, 1; SPG3; STRUMPELL DISEASE; Spastic Paraplegia 3A; Spastic paraplegia 3A, autosomal dominant. Identifiers: Orphanet 100984, MedGen C2931355, MONDO:0008437, OMIM 182600.

Allele frequency attached by ClinVar (database versions not stated): gnomAD exomes below 0.00001; TOPMed below 0.00001; gnomAD 0.00001.

Submission:

Labcorp Genetics (formerly Invitae), Labcorp
Classification: Uncertain significance for Hereditary spastic paraplegia 3A. Last evaluated: 2024-08-22. Review status: criteria provided, single submitter. Criteria: Invitae Variant Classification Sherloc (09022015). Collection method: clinical testing. Allele origin: germline.
Comment: This sequence change replaces isoleucine, which is neutral and non-polar, with valine, which is neutral and non-polar, at codon 257 of the ATL1 protein (p.Ile257Val). This variant is not present in population databases (gnomAD no frequency). This variant has not been reported in the literature in individuals affected with ATL1-related conditions. ClinVar contains an entry for this variant (Variation ID: 538577). Invitae Evidence Modeling of protein sequence and biophysical properties (such as structural, functional, and spatial information, amino acid conservation, physicochemical variation, residue mobility, and thermodynamic stability) indicates that this missense variant is not expected to disrupt ATL1 protein function with a negative predictive value of 80%. In summary, the available evidence is currently insufficient to determine the role of this variant in disease. Therefore, it has been classified as a Variant of Uncertain Significance.